The following is an entry in ClinVar:

NM_001367561.1(DOCK7):c.4106G>T (p.Cys1369Phe)

Gene: DOCK7 (dedicator of cytokinesis 7; minus strand). Cytogenetic location: 1p31.3.
Variant type: single nucleotide variant.
Coding change: c.4106G>T on transcript NM_001367561.1 (MANE Select); coding-DNA position 4106, G replaced by T.
Protein change: p.Cys1369Phe; replaces cysteine 1369 with phenylalanine.
Molecular consequence: missense variant.
Genome position (GRCh38, 1-based): chr1:62,513,729, C>A on the plus strand (G>T on the coding strand, the complement: DOCK7 is on the minus strand). VCF-style: chr1-62513729-C-A. GRCh37 (hg19) VCF-style: chr1-62979400-C-A.
Other names: c.4106G>T, p.Cys1369Phe (NM_001271999.2, NM_001330614.2); c.4013G>T, p.Cys1338Phe (NM_001272000.2, NM_001272001.2, NM_033407.4); short protein forms C1369F, C1338F.
Identifiers: ClinVar variation 575415 (VCV000575415.8), dbSNP rs370385817, ClinGen allele CA23783535.

ClinVar aggregate classification (germline): Uncertain significance. Review status: criteria provided, multiple submitters, no conflicts (2 of 4 stars). 2 submissions from 2 submitters: Uncertain significance (2). Last evaluated 2023-01-10.

Conditions:
Developmental and epileptic encephalopathy, 23 (DEE23). Also called: Epileptic encephalopathy, early infantile, 23. Identifiers: Orphanet 411986, MedGen C4014492, MONDO:0014371, OMIM 615859.

Allele frequency attached by ClinVar (database versions not stated): ESP Exome Variant Server 0.00008.

Submissions (2):

Blueprint Genetics
Classification: Uncertain significance. Last evaluated: 2023-01-10. Review status: criteria provided, single submitter. Criteria: ACMG Guidelines, 2015. Collection method: clinical testing. Allele origin: germline.

Labcorp Genetics (formerly Invitae), Labcorp
Classification: Uncertain significance for Developmental and epileptic encephalopathy, 23. Last evaluated: 2022-08-07. Review status: criteria provided, single submitter. Criteria: Invitae Variant Classification Sherloc (09022015). Collection method: clinical testing. Allele origin: germline.
Comment: In summary, the available evidence is currently insufficient to determine the role of this variant in disease. Therefore, it has been classified as a Variant of Uncertain Significance. Algorithms developed to predict the effect of missense changes on protein structure and function are either unavailable or do not agree on the potential impact of this missense change (SIFT: "Deleterious"; PolyPhen-2: "Possibly Damaging"; Align-GVGD: "Class C0"). ClinVar contains an entry for this variant (Variation ID: 575415). This variant has not been reported in the literature in individuals affected with DOCK7-related conditions. This variant is not present in population databases (gnomAD no frequency). This sequence change replaces cysteine, which is neutral and slightly polar, with phenylalanine, which is neutral and non-polar, at codon 1369 of the DOCK7 protein (p.Cys1369Phe).